The following is an entry in ClinVar:

NM_004360.5(CDH1):c.45_46insT (p.Gln16fs)

Gene: CDH1 (cadherin 1; plus strand). Cytogenetic location: 16q22.1.
Variant type: Insertion.
Coding change: c.45_46insT on transcript NM_004360.5 (MANE Select); coding-DNA positions 45 to 46, T inserted.
Protein change: p.Gln16fs; shifts the reading frame from glutamine 16.
Molecular consequence: frameshift variant. On other transcripts: 5 prime UTR variant (2).
Genome position: GRCh38 VCF-style: chr16-68737460-G-GT. GRCh37 (hg19) VCF-style: chr16-68771363-G-GT.
Other names: c.45_46insT, p.Gln16fs (NM_001317184.2); c.-1571_-1570insT (NM_001317185.2); c.-1775_-1774insT (NM_001317186.2); short protein forms Q16fs.
Identifiers: ClinVar variation 2502937 (VCV002502937.1), dbSNP rs2543814268, ClinGen allele CA2580612822.

ClinVar aggregate classification (germline): Pathogenic (1 of 4 stars; one submission).

Conditions:
Hereditary diffuse gastric adenocarcinoma (HDGC). Also called: DIFFUSE GASTRIC AND LOBULAR BREAST CANCER SYNDROME. Identifiers: Orphanet 26106, MedGen C1708349, MONDO:0007648, OMIM 137215.

Submission:

European Reference Network on Genetic Tumour Risk Syndromes (ERN-GENTURIS), i3s - Instituto de Investigação e Inovação em Saúde, University of Porto
Classification: Pathogenic for Hereditary diffuse gastric adenocarcinoma. Last evaluated: 2022-08-01. Review status: criteria provided, single submitter. Criteria: Lee et al. (Hum Mutat. 2018). Collection method: clinical testing. Allele origin: germline. Inheritance: Autosomal dominant inheritance. Affected: yes. Study: ERN GENTURIS.
Comment: PVS1; PS4_Supporting; PM2 (PMID: 30311375)

Literature cited by the submitters: PubMed 36436516.